The following is an entry in ClinVar:

ClinVar aggregate classification (germline): Pathogenic (1 of 4 stars; one submission).

Conditions:
Hereditary cancer-predisposing syndrome. Also called: Tumor predisposition; Hereditary Cancer Syndrome; Hereditary neoplastic syndrome; Neoplastic Syndromes, Hereditary. Identifiers: Orphanet 140162, MedGen C0027672, MeSH D009386, MONDO:0015356.

Submission:

Ambry Genetics
Classification: Pathogenic for Hereditary cancer-predisposing syndrome. Last evaluated: 2018-04-09. Review status: criteria provided, single submitter. Criteria: Ambry Variant Classification Scheme 2023. Collection method: clinical testing. Allele origin: germline.
Comment: The c.1245_1246dupAA pathogenic mutation, located in coding exon 9 of the BMPR1A gene, results from a duplication of AA at nucleotide position 1245, causing a translational frameshift with a predicted alternate stop codon (p.S416Kfs*3). This mutation (reported as c.1244_1245insAA) has been identified in a patient with early-onset colorectal cancer (DeRycke MS et al. Mol Genet Genomic Med. 2017 Jul 23;5(5):553-569). In addition to the clinical data presented in the literature, this alteration is expected to result in loss of function by premature protein truncation or nonsense-mediated mRNA decay. As such, this alteration is interpreted as a disease-causing mutation.

NM_004329.3(BMPR1A):c.1245_1246dup (p.Ser416fs)

Gene: BMPR1A (bone morphogenetic protein receptor type 1A; plus strand). Cytogenetic location: 10q23.2.
Variant type: Duplication.
Coding change: c.1245_1246dup on transcript NM_004329.3 (MANE Select); coding-DNA positions 1245 to 1246, 2 bases duplicated (AA; older notation c.1245_1246dupAA).
Protein change: p.Ser416fs; shifts the reading frame from serine 416.
Molecular consequence: frameshift variant.
Genome position (GRCh38, 1-based): chr10:86,921,598-86,921,599, AA duplicated; duplicating any 2 consecutive bases within chr10:86,921,597-86,921,599 gives the same sequence; the c. name uses the placement nearest the transcript's 3' end. VCF-style (leftmost placement, unchanged base first): chr10-86921596-G-GAA. GRCh37 (hg19) VCF-style: chr10-88681353-G-GAA.
Other names: c.1245_1246dupAA (NM_004329.2); short protein forms S416fs.
Identifiers: ClinVar variation 486821 (VCV000486821.5), dbSNP rs1554891331, ClinGen allele CA658657991.